The following is an entry in ClinVar:

NM_000337.6(SGCD):c.510G>A (p.Glu170=)

Gene: SGCD (sarcoglycan delta; plus strand). Cytogenetic location: 5q33.3.
Variant type: single nucleotide variant.
Coding change: c.510G>A on transcript NM_000337.6 (MANE Select); coding-DNA position 510, G replaced by A.
Protein change: p.Glu170=; no amino-acid change (glutamic acid 170 retained).
Molecular consequence: synonymous variant.
Genome position (GRCh38, 1-based): chr5:156,647,471, G>A. VCF-style: chr5-156647471-G-A. GRCh37 (hg19) VCF-style: chr5-156074481-G-A.
Other names: c.507G>A, p.Glu169= (NM_001128209.2); c.510G>A, p.Glu170= (NM_172244.3).
Identifiers: ClinVar variation 352335 (VCV000352335.49), dbSNP rs368838376, ClinGen allele CA3530620.

ClinVar aggregate classification (germline): Conflicting classifications of pathogenicity. Review status: criteria provided, conflicting classifications (1 of 4 stars). 11 submissions from 11 submitters: Uncertain significance (2); Benign (2); Likely benign (6). 1 of the submissions does not count toward it. Last evaluated 2026-01-28.

Conditions:
Inborn genetic diseases. Identifiers: MedGen C0950123, MeSH D030342.
Qualitative or quantitative defects of delta-sarcoglycan. Identifiers: Orphanet 207070, MedGen C5680806, MONDO:0016144.
SGCD-related disorder. Also called: SGCD-related condition.
Cardiomyopathy (CMYO). Also called: Cardiomyopathies. Identifiers: Orphanet 167848, MedGen C0878544, MONDO:0004994, HP:0001638. Inheritance: Various modes of inheritance.
Autosomal recessive limb-girdle muscular dystrophy type 2F (LGMDR6). Also called: MUSCULAR DYSTROPHY, LIMB-GIRDLE, AUTOSOMAL RECESSIVE 6; Muscular dystrophy limb-girdle with delta-sarcoglyan deficiency. Identifiers: Orphanet 219, MedGen C1832525, MONDO:0011028, OMIM 601287. Disease mechanism: Affects gamma-sarcoglycan and also disrupts the integrity of the entire sarcoglycan complex..

Allele frequency attached by ClinVar (database versions not stated): ExAC 0.00053; 1000 Genomes Project 0.00060; 1000 Genomes Project 30x 0.00078; ESP Exome Variant Server 0.00016; TOPMed 0.00026; gnomAD 0.00029.
gnomAD v4.1: 425 of 1,582,762 alleles (0.027%); highest among the groups gnomAD compares: Middle Eastern, 0.13%; 1 homozygote.

Submissions (11):

Labcorp Genetics (formerly Invitae), Labcorp
Classification: Likely benign for Autosomal recessive limb-girdle muscular dystrophy type 2F. Last evaluated: 2026-01-28. Review status: criteria provided, single submitter. Criteria: Invitae Variant Classification Sherloc (09022015). Collection method: clinical testing. Allele origin: germline.

Women's Health and Genetics/Laboratory Corporation of America, LabCorp
Classification: Likely benign. Last evaluated: 2024-10-15. Review status: criteria provided, single submitter. Criteria: LabCorp Variant Classification Summary - May 2015. Collection method: clinical testing. Allele origin: germline.

Blueprint Genetics
Classification: Likely benign. Last evaluated: 2024-10-04. Review status: criteria provided, single submitter. Criteria: ACMG Guidelines, 2015. Collection method: clinical testing. Allele origin: germline.

CeGaT Center for Human Genetics Tuebingen
Classification: Likely benign. Last evaluated: 2024-05-01. Review status: criteria provided, single submitter. Criteria: CeGaT Center For Human Genetics Tuebingen Variant Classification Criteria Version 2. Collection method: clinical testing. Allele origin: germline. Affected: yes. Observed: 1 variant allele.
Comment: SGCD: BP4, BP7

Ambry Genetics
Classification: Likely benign for Inborn genetic diseases. Last evaluated: 2022-11-07. Review status: criteria provided, single submitter. Criteria: Ambry Variant Classification Scheme 2023. Collection method: clinical testing. Allele origin: germline.

Athena Diagnostics
Classification: Benign. Last evaluated: 2019-06-03. Review status: criteria provided, single submitter. Criteria: Athena Diagnostics Criteria. Collection method: clinical testing. Allele origin: germline.

Illumina Laboratory Services, Illumina
Classification: Uncertain significance for Qualitative or quantitative defects of delta-sarcoglycan. Last evaluated: 2018-01-13. Review status: criteria provided, single submitter. Criteria: ICSL Variant Classification Criteria 13 December 2019. Collection method: clinical testing. Allele origin: germline.

Eurofins Ntd Llc (ga)
Classification: Uncertain significance. Last evaluated: 2017-12-29. Review status: criteria provided, single submitter. Criteria: EGL Classification Definitions 2015. Collection method: clinical testing. Allele origin: germline. Observed: 2 variant alleles, 2 heterozygotes.

CHEO Genetics Diagnostic Laboratory, Children's Hospital of Eastern Ontario
Classification: Likely benign for Cardiomyopathy. Last evaluated: 2017-04-28. Review status: criteria provided, single submitter. Criteria: ACMG Guidelines, 2015. Collection method: clinical testing. Allele origin: germline. Study: Canadian Open Genetics Repository.

GeneDx
Classification: Benign. Last evaluated: 2017-01-10. Review status: criteria provided, single submitter. Criteria: GeneDx Variant Classification (06012015). Collection method: clinical testing. Allele origin: germline. Affected: yes.
Comment: This variant is considered likely benign or benign based on one or more of the following criteria: it is a conservative change, it occurs at a poorly conserved position in the protein, it is predicted to be benign by multiple in silico algorithms, and/or has population frequency not consistent with disease.

PreventionGenetics, part of Exact Sciences
Classification: Benign for SGCD-related condition. Last evaluated: 2021-05-04. Review status: no assertion criteria provided. Collection method: clinical testing. Allele origin: germline. Not counted in ClinVar's aggregate classification.
Comment: This variant is classified as benign based on ACMG/AMP sequence variant interpretation guidelines (Richards et al. 2015 PMID: 25741868, with internal and published modifications).